The following is an entry in ClinVar:

NM_000444.6(PHEX):c.349+2del

Gene: PHEX (phosphate regulating endopeptidase X-linked; plus strand). Cytogenetic location: Xp22.11.
Variant type: Deletion.
Coding change: c.349+2del on transcript NM_000444.6 (MANE Select); the canonical splice donor site of the intron after coding-DNA position 349, one base deleted (T; older notation c.349+2delT).
Molecular consequence: splice donor variant.
Genome position (GRCh38, 1-based): chrX:22,047,213, T deleted. VCF-style (leftmost placement, unchanged base first): chrX-22047212-GT-G. GRCh37 (hg19) VCF-style: chrX-22065330-GT-G.
Other names: c.349+2del (NM_001282754.2).
Identifiers: ClinVar variation 2731398 (VCV002731398.3), dbSNP rs2519722716, ClinGen allele CA2695231448.

ClinVar aggregate classification (germline): Likely pathogenic (1 of 4 stars; one submission).

Submission:

Labcorp Genetics (formerly Invitae), Labcorp
Classification: Likely pathogenic. Last evaluated: 2023-07-06. Review status: criteria provided, single submitter. Criteria: Invitae Variant Classification Sherloc (09022015). Collection method: clinical testing. Allele origin: germline.
Comment: This sequence change affects a splice site in intron 3 of the PHEX gene. It is expected to disrupt RNA splicing. Variants that disrupt the donor or acceptor splice site typically lead to a loss of protein function (PMID: 16199547), and loss-of-function variants in PHEX are known to be pathogenic (PMID: 9097956, 9106524, 19219621). This variant is not present in population databases (gnomAD no frequency). Disruption of this splice site has been observed in individual(s) with hypophosphatemic rickets (Invitae). Algorithms developed to predict the effect of sequence changes on RNA splicing suggest that this variant may disrupt the consensus splice site. In summary, the currently available evidence indicates that the variant is pathogenic, but additional data are needed to prove that conclusively. Therefore, this variant has been classified as Likely Pathogenic.

Literature cited by the submitters: PubMed 16199547; PubMed 9097956; PubMed 9106524; PubMed 19219621.